The following is an entry in ClinVar:

NM_201384.3(PLEC):c.8588C>T (p.Thr2863Met)

Gene: PLEC (plectin; minus strand). Cytogenetic location: 8q24.3.
Variant type: single nucleotide variant.
Coding change: c.8588C>T on transcript NM_201384.3 (MANE Select); coding-DNA position 8588, C replaced by T.
Protein change: p.Thr2863Met; replaces threonine 2863 with methionine.
Molecular consequence: missense variant.
Genome position (GRCh38, 1-based): chr8:143,921,233, G>A on the plus strand (C>T on the coding strand, the complement: PLEC is on the minus strand). VCF-style: chr8-143921233-G-A. GRCh37 (hg19) VCF-style: chr8-144995401-G-A.
Other names: c.8669C>T, p.Thr2890Met (NM_000445.5); c.8546C>T, p.Thr2849Met (NM_201378.4); c.8522C>T, p.Thr2841Met (NM_201379.3); c.8999C>T, p.Thr3000Met (NM_201380.4); c.8492C>T, p.Thr2831Met (NM_201381.3); c.8588C>T, p.Thr2863Met (NM_201382.4); c.8600C>T, p.Thr2867Met (NM_201383.3); short protein forms T2831M, T2890M, T2863M, T2867M, T2841M, T2849M, T3000M.
Identifiers: ClinVar variation 1512323 (VCV001512323.7), dbSNP rs374046943, ClinGen allele CA4925258.

ClinVar aggregate classification (germline): Uncertain significance. Review status: criteria provided, multiple submitters, no conflicts (2 of 4 stars). 2 submissions from 2 submitters: Uncertain significance (2). Last evaluated 2025-10-29.

Conditions:
Autosomal recessive limb-girdle muscular dystrophy type 2Q (LGMDR17). Also called: MUSCULAR DYSTROPHY, LIMB-GIRDLE, AUTOSOMAL RECESSIVE 17. Identifiers: Orphanet 254361, MedGen C3150989, MONDO:0013390, OMIM 613723.
Epidermolysis bullosa simplex, Ogna type (EBS5A). Also called: Pidermolysis bullosa simplex 5A, Ogna type; EPIDERMOLYSIS BULLOSA SIMPLEX 5A, OGNA TYPE. Identifiers: Orphanet 79401, MedGen C0432317, MONDO:0007555, OMIM 131950.
Epidermolysis bullosa simplex 5B, with muscular dystrophy (EBS5B). Also called: EPIDERMOLYSIS BULLOSA SIMPLEX AND LIMB-GIRDLE MUSCULAR DYSTROPHY; Epidermolysis bullosa simplex with muscular dystrophy. Identifiers: Orphanet 257, MedGen C2931072, MONDO:0009181, OMIM 226670.
Epidermolysis bullosa simplex 5C, with pyloric atresia (EBS5C). Also called: Epidermolysis bullosa simplex with pyloric atresia; PLEC-Related Epidermolysis Bullosa with Pyloric Atresia; PLEC1-Related Epidermolysis Bullosa with Pyloric Atresia. Identifiers: Orphanet 158684, MedGen C2677349, MONDO:0012807, OMIM 612138.
Epidermolysis bullosa simplex with nail dystrophy (EBS5D). Identifiers: MedGen C4225309, MONDO:0014661, OMIM 616487.

Allele frequency attached by ClinVar (database versions not stated): gnomAD exomes 0.00002; ExAC 0.00003; ESP Exome Variant Server 0.00008; 1000 Genomes Project 30x 0.00016; 1000 Genomes Project 0.00020.
gnomAD v4.1: 32 of 1,614,148 alleles (0.002%); highest among the groups gnomAD compares: African/African-American, 0.02%; no homozygotes.

Submissions (2):

Labcorp Genetics (formerly Invitae), Labcorp
Classification: Uncertain significance for Autosomal recessive limb-girdle muscular dystrophy type 2Q; Epidermolysis bullosa simplex, Ogna type; Epidermolysis bullosa simplex with nail dystrophy; Epidermolysis bullosa simplex 5C, with pyloric atresia; Epidermolysis bullosa simplex 5B, with muscular dystrophy. Last evaluated: 2025-10-29. Review status: criteria provided, single submitter. Criteria: Invitae Variant Classification Sherloc (09022015). Collection method: clinical testing. Allele origin: germline.
Comment: This sequence change replaces threonine, which is neutral and polar, with methionine, which is neutral and non-polar, at codon 2890 of the PLEC protein (p.Thr2890Met). This variant is present in population databases (rs374046943, gnomAD 0.03%). This variant has not been reported in the literature in individuals affected with PLEC-related conditions. ClinVar contains an entry for this variant (Variation ID: 1512323). An algorithm developed to predict the effect of missense changes on protein structure and function (PolyPhen-2) suggests that this variant is likely to be disruptive. In summary, the available evidence is currently insufficient to determine the role of this variant in disease. Therefore, it has been classified as a Variant of Uncertain Significance.

Revvity Omics, Revvity
Classification: Uncertain significance. Last evaluated: 2024-01-22. Review status: criteria provided, single submitter. Criteria: ACMG Guidelines, 2015. Collection method: clinical testing. Allele origin: germline.